The following is an entry in ClinVar:

ClinVar aggregate classification (germline): Uncertain significance. Review status: criteria provided, multiple submitters, no conflicts (2 of 4 stars). 3 submissions from 3 submitters: Uncertain significance (3). Last evaluated 2025-07-23.

Conditions:
Early-infantile DEE. Also called: Ohtahara syndrome; Early infantile epileptic encephalopathy with suppression bursts; Early infantile epileptic encephalopathy. Identifiers: Orphanet 1934, MedGen C0393706, MONDO:0800491.
HCN1-related disorder. Also called: HCN1-related condition; HCN1-related disorders.
Inborn genetic diseases. Identifiers: MedGen C0950123, MeSH D030342.

Allele frequency attached by ClinVar (database versions not stated): gnomAD exomes below 0.00001; TOPMed below 0.00001.
gnomAD v4.1: 3 of 1,614,042 alleles (0.00019%); highest among the groups gnomAD compares: Non-Finnish European, 0.00025%; no homozygotes.

Submissions (3):

Labcorp Genetics (formerly Invitae), Labcorp
Classification: Uncertain significance for Early-infantile DEE. Last evaluated: 2025-07-23. Review status: criteria provided, single submitter. Criteria: Invitae Variant Classification Sherloc (09022015). Collection method: clinical testing. Allele origin: germline.
Comment: This sequence change replaces serine, which is neutral and polar, with cysteine, which is neutral and slightly polar, at codon 802 of the HCN1 protein (p.Ser802Cys). This variant is not present in population databases (gnomAD no frequency). This variant has not been reported in the literature in individuals affected with HCN1-related conditions. ClinVar contains an entry for this variant (Variation ID: 1390961). Invitae Evidence Modeling of protein sequence and biophysical properties (such as structural, functional, and spatial information, amino acid conservation, physicochemical variation, residue mobility, and thermodynamic stability) indicates that this missense variant is not expected to disrupt HCN1 protein function with a negative predictive value of 95%. In summary, the available evidence is currently insufficient to determine the role of this variant in disease. Therefore, it has been classified as a Variant of Uncertain Significance.

PreventionGenetics, part of Exact Sciences
Classification: Uncertain significance for HCN1-related condition. Last evaluated: 2025-05-30. Review status: criteria provided, single submitter. Criteria: ACMG Guidelines, 2015. Collection method: clinical testing. Allele origin: germline.
Comment: The HCN1 c.2405C>G variant is predicted to result in the amino acid substitution p.Ser802Cys. To our knowledge, this variant has not been reported in the literature or in a large population database (gnomAD), indicating this variant is rare. At this time, the clinical significance of this variant is uncertain due to the absence of conclusive functional and genetic evidence.

Ambry Genetics
Classification: Uncertain significance for Inborn genetic diseases. Last evaluated: 2025-03-06. Review status: criteria provided, single submitter. Criteria: Ambry Variant Classification Scheme 2023. Collection method: clinical testing. Allele origin: germline.

NM_021072.4(HCN1):c.2405C>G (p.Ser802Cys)

Gene: HCN1 (hyperpolarization activated cyclic nucleotide gated potassium channel 1; minus strand). Cytogenetic location: 5p12.
Variant type: single nucleotide variant.
Coding change: c.2405C>G on transcript NM_021072.4 (MANE Select); coding-DNA position 2405, C replaced by G.
Protein change: p.Ser802Cys; replaces serine 802 with cysteine.
Molecular consequence: missense variant.
Genome position (GRCh38, 1-based): chr5:45,262,189, G>C on the plus strand (C>G on the coding strand, the complement: HCN1 is on the minus strand). VCF-style: chr5-45262189-G-C. GRCh37 (hg19) VCF-style: chr5-45262291-G-C.
Other names: c.2405C>G (NM_021072.3); short protein forms S802C.
Identifiers: ClinVar variation 1390961 (VCV001390961.9), dbSNP rs1744759169, ClinGen allele CA359703403.